The following is an entry in ClinVar:

NM_021224.6(ZNF462):c.3305del (p.Pro1102fs)

Gene: ZNF462 (zinc finger protein 462; plus strand). Cytogenetic location: 9q31.2.
Variant type: Deletion.
Coding change: c.3305del on transcript NM_021224.6 (MANE Select); coding-DNA position 3305, one base deleted (C; older notation c.3305delC).
Protein change: p.Pro1102fs; shifts the reading frame from proline 1102.
Molecular consequence: frameshift variant. On other transcripts: intron variant (1).
Genome position (GRCh38, 1-based): chr9:106,927,217, C deleted; the last of 8 consecutive C bases (chr9:106,927,210-106,927,217); deleting any one gives the same sequence. VCF-style (leftmost placement, unchanged base first): chr9-106927209-AC-A. GRCh37 (hg19) VCF-style: chr9-109689490-AC-A.
Other names: c.3252+53del (NM_001347997.2); short protein forms P1102fs.
Identifiers: ClinVar variation 3390712 (VCV003390712.2).
Genomic context (GRCh38, chr9:106,927,209, plus strand): 5'-TCAATTATCATTTGAGGTGGGTGCTCCAATGTCTCCCAAAATGTCCAACATGGGTTCCCC[AC>A]CCCCCCCACAACCCCCGCCACCAGACCTCAGTACTGAGCTTTACTACTGCAAACACTGTT-3'

ClinVar aggregate classification (germline): Uncertain significance (1 of 4 stars; one submission).

Submission:

GeneDx
Classification: Uncertain significance. Last evaluated: 2026-04-16. Review status: criteria provided, single submitter. Criteria: GeneDx Variant Classification Process June 2021. Collection method: clinical testing. Allele origin: germline.
Comment: Frameshift variant predicted to result in protein truncation or nonsense mediated decay in a gene for which loss of function is a known mechanism of disease; Has not been previously published as pathogenic or benign to our knowledge